The following is an entry in ClinVar:

ClinVar aggregate classification (germline): Uncertain significance. Review status: criteria provided, multiple submitters, no conflicts (2 of 4 stars). 3 submissions from 3 submitters: Uncertain significance (3). Last evaluated 2025-12-18.

Conditions:
Progressive familial heart block type IB (PFHB1B). Identifiers: Orphanet 871, MedGen C1970298, MONDO:0011474, OMIM 604559.
Erythrokeratodermia variabilis et progressiva 6. Identifiers: MedGen C5193144, MONDO:0032801, OMIM 618531.
Cardiovascular phenotype. Identifiers: MedGen CN230736.

Allele frequency attached by ClinVar (database versions not stated): gnomAD 0.00004; TOPMed 0.00004; ExAC 0.00007; gnomAD exomes 0.00007.
gnomAD v4.1: 67 of 1,614,042 alleles (0.0042%); highest among the groups gnomAD compares: Non-Finnish European, 0.0042%; no homozygotes.

Submissions (3):

Labcorp Genetics (formerly Invitae), Labcorp
Classification: Uncertain significance for Progressive familial heart block type IB. Last evaluated: 2025-12-18. Review status: criteria provided, single submitter. Criteria: Invitae Variant Classification Sherloc (09022015). Collection method: clinical testing. Allele origin: germline.
Comment: This sequence change replaces aspartic acid, which is acidic and polar, with glutamic acid, which is acidic and polar, at codon 436 of the TRPM4 protein (p.Asp436Glu). This variant is present in population databases (rs200262546, gnomAD 0.03%), and has an allele count higher than expected for a pathogenic variant. This variant has not been reported in the literature in individuals affected with TRPM4-related conditions. ClinVar contains an entry for this variant (Variation ID: 640131). An algorithm developed to predict the effect of missense changes on protein structure and function (PolyPhen-2) suggests that this variant is likely to be disruptive. In summary, the available evidence is currently insufficient to determine the role of this variant in disease. Therefore, it has been classified as a Variant of Uncertain Significance.

Ambry Genetics
Classification: Uncertain significance for Cardiovascular phenotype. Last evaluated: 2025-12-09. Review status: criteria provided, single submitter. Criteria: Ambry Variant Classification Scheme 2023. Collection method: clinical testing. Allele origin: germline.

Fulgent Genetics
Classification: Uncertain significance for Progressive familial heart block type IB; Erythrokeratodermia variabilis et progressiva 6. Last evaluated: 2021-08-27. Review status: criteria provided, single submitter. Criteria: ACMG Guidelines, 2015. Collection method: clinical testing. Allele origin: unknown.

NM_017636.4(TRPM4):c.1308C>A (p.Asp436Glu)

Gene: TRPM4 (transient receptor potential cation channel subfamily M member 4; plus strand). Cytogenetic location: 19q13.33.
Variant type: single nucleotide variant.
Coding change: c.1308C>A on transcript NM_017636.4 (MANE Select); coding-DNA position 1308, C replaced by A.
Protein change: p.Asp436Glu; replaces aspartic acid 436 with glutamic acid.
Molecular consequence: missense variant. On other transcripts: 5 prime UTR variant (1).
Genome position (GRCh38, 1-based): chr19:49,182,622, C>A. VCF-style: chr19-49182622-C-A. GRCh37 (hg19) VCF-style: chr19-49685879-C-A.
Other names: c.1308C>A, p.Asp436Glu (NM_001195227.2); c.963C>A, p.Asp321Glu (NM_001321281.2); c.-246C>A (NM_001321282.2); c.786C>A, p.Asp262Glu (NM_001321283.2); c.246C>A, p.Asp82Glu (NM_001321285.2); short protein forms D262E, D436E, D82E, D321E.
Identifiers: ClinVar variation 640131 (VCV000640131.14), dbSNP rs200262546, ClinGen allele CA9569163.